The following is an entry in ClinVar:

Single allele

Variant type: Deletion.
Identifiers: ClinVar variation 156988 (VCV000156988.2).

ClinVar aggregate classification (germline): not provided (0 of 4 stars; one submission).

Conditions:
Large for gestational age. Identifiers: MedGen C1848395, HP:0001520.

Submission:

Institute of Molecular and Cell Biology, University of Tartu
No classification provided. Condition: Large for gestational age. Review status: no classification provided. Collection method: case-control. Allele origin: unknown. Affected: yes. Study: Kasak2014.
Comment: The study aimed to determine the contribution of copy number variants in the genetic etiology of normal and complicated pregnancies. The samples represented (i) maternal blood DNA drawn from healthy pregnant women during 1st or 2nd trimester and (ii) maternal and paternal blood DNA drawn at term pregnancy cases representing normal and complicated gestations (severe preeclampsia, PE; gestational diabetes, GD; small-for-gestational age newborn, SGA; large-for-gestational age newborn, LGA). We performed CNV calling based on genome-wide genotyping dataset (Illumina HumanOmniExpress-24-v1 BeadChip) by applying three algorithms, QuantiSNP, GADA (Genome Alteration Detection Algorithm) and CNstream in parallel. The acquired CNV calls were merged with HD-CNV (Hotspot Detector for Copy Number Variants) program and only the CNVs predicted by at least two programs, were considered in subsequent analysis.

Literature cited by the submitters: PubMed 25666259.